The following is an entry in ClinVar:

NM_152701.5(ABCA13):c.1263-5C>G

Gene: ABCA13 (ATP binding cassette subfamily A member 13; plus strand). Cytogenetic location: 7p12.3.
Variant type: single nucleotide variant.
Coding change: c.1263-5C>G on transcript NM_152701.5 (MANE Select); 5 bases into the intron before coding-DNA position 1263, C replaced by G.
Molecular consequence: intron variant.
Genome position (GRCh38, 1-based): chr7:48,244,571, C>G. VCF-style: chr7-48244571-C-G. GRCh37 (hg19) VCF-style: chr7-48284168-C-G.
Other names: NC_000007.13:g.48284168C>G.
Identifiers: ClinVar variation 774080 (VCV000774080.30), dbSNP rs186683711, ClinGen allele CA4256382.

ClinVar aggregate classification (germline): Benign/Likely benign. Review status: criteria provided, multiple submitters, no conflicts (2 of 4 stars). 4 submissions from 4 submitters: Benign (3); Likely benign (1). Last evaluated 2025-08-18.

Allele frequency attached by ClinVar (database versions not stated): 1000 Genomes Project 30x 0.00156; 1000 Genomes Project 0.00160; gnomAD 0.00507; ESP Exome Variant Server 0.00621; gnomAD exomes 0.00682; ExAC 0.00752; TOPMed 0.00784.
gnomAD v4.1: 12,174 of 1,610,940 alleles (0.76%); highest among the groups gnomAD compares: Non-Finnish European, 0.84%; 64 homozygotes.

Submissions (5):

Genomic Medicine Center of Excellence, King Faisal Specialist Hospital and Research Centre
Classification: Likely benign. Last evaluated: 2025-08-18. Review status: criteria provided, single submitter. Criteria: ACMG Guidelines, 2015. Collection method: clinical testing. Allele origin: germline.

CeGaT Center for Human Genetics Tuebingen
Classification: Benign. Last evaluated: 2025-08-01. Review status: criteria provided, single submitter. Criteria: CeGaT Center For Human Genetics Tuebingen Variant Classification Criteria Version 2. Collection method: clinical testing. Allele origin: germline. Affected: yes. Observed: 5 variant alleles.
Comment: ABCA13: BP4, BS1, BS2

Labcorp Genetics (formerly Invitae), Labcorp
Classification: Benign. Last evaluated: 2017-12-19. Review status: criteria provided, single submitter. Criteria: Invitae Variant Classification Sherloc (09022015). Collection method: clinical testing. Allele origin: germline.

Breakthrough Genomics
Classification: Benign. Review status: criteria provided, single submitter. Criteria: ACMG Guidelines, 2015. Collection method: not provided. Allele origin: germline. Inheritance: Unknown mechanism. Affected: yes.

Dr. Peter K. Rogan Lab, Western University
No classification provided (evidence only). Condition: Malignant tumor of esophagus. Review status: no classification provided. Collection method: in vitro. Allele origin: not applicable. Functional consequence: retained intron. Not counted in ClinVar's aggregate classification.